The following is an entry in ClinVar:

ClinVar aggregate classification (germline): Uncertain significance. Review status: criteria provided, multiple submitters, no conflicts (2 of 4 stars). 4 submissions from 4 submitters: Uncertain significance (4). Last evaluated 2025-09-03.

Conditions:
Hereditary cancer-predisposing syndrome. Also called: Neoplastic Syndromes, Hereditary; Hereditary neoplastic syndrome; Tumor predisposition; Hereditary Cancer Syndrome. Identifiers: Orphanet 140162, MedGen C0027672, MeSH D009386, MONDO:0015356.
Fanconi anemia complementation group J. Also called: BRIP1-Related Fanconi Anemia. Identifiers: Orphanet 84, MedGen C1836860, MONDO:0012187, OMIM 609054.
Familial cancer of breast. Also called: BREAST CANCER, FAMILIAL; hereditary breast carcinoma; Hereditary breast cancer. Identifiers: Orphanet 227535, MedGen C0346153, MONDO:0016419, OMIM 114480. Disease mechanism: loss of function.

Submissions (4):

Labcorp Genetics (formerly Invitae), Labcorp
Classification: Uncertain significance for Familial cancer of breast; Fanconi anemia complementation group J. Last evaluated: 2025-09-03. Review status: criteria provided, single submitter. Criteria: Invitae Variant Classification Sherloc (09022015). Collection method: clinical testing. Allele origin: germline.
Comment: This sequence change replaces serine, which is neutral and polar, with glycine, which is neutral and non-polar, at codon 876 of the BRIP1 protein (p.Ser876Gly). This variant is not present in population databases (gnomAD no frequency). This variant has not been reported in the literature in individuals affected with BRIP1-related conditions. ClinVar contains an entry for this variant (Variation ID: 530349). Invitae Evidence Modeling of protein sequence and biophysical properties (such as structural, functional, and spatial information, amino acid conservation, physicochemical variation, residue mobility, and thermodynamic stability) indicates that this missense variant is not expected to disrupt BRIP1 protein function with a negative predictive value of 95%. In summary, the available evidence is currently insufficient to determine the role of this variant in disease. Therefore, it has been classified as a Variant of Uncertain Significance.

Quest Diagnostics Nichols Institute San Juan Capistrano
Classification: Uncertain significance. Last evaluated: 2025-07-15. Review status: criteria provided, single submitter. Criteria: Quest Diagnostics criteria. Collection method: clinical testing. Allele origin: unknown.
Comment: The BRIP1 c.2626A>G (p.Ser876Gly) variant has not been reported in individuals with BRIP1-related conditions in the published literature. It also has not been reported in large, multi-ethnic general populations (Genome Aggregation Database). Analysis of this variant using bioinformatics tools for the prediction of the effect of amino acid changes on protein structure and function yielded conflicting predictions that this variant is benign or damaging. Based on the available information, we are unable to determine the clinical significance of this variant.

GeneDx
Classification: Uncertain significance. Last evaluated: 2024-01-03. Review status: criteria provided, single submitter. Criteria: GeneDx Variant Classification Process June 2021. Collection method: clinical testing. Allele origin: germline. Affected: yes.
Comment: Not observed at significant frequency in large population cohorts (gnomAD); In silico analysis supports that this missense variant does not alter protein structure/function; Has not been previously published as pathogenic or benign to our knowledge

Ambry Genetics
Classification: Uncertain significance for Hereditary cancer-predisposing syndrome. Last evaluated: 2022-12-23. Review status: criteria provided, single submitter. Criteria: Ambry Variant Classification Scheme 2023. Collection method: clinical testing. Allele origin: germline.
Comment: The p.S876G variant (also known as c.2626A>G), located in coding exon 18 of the BRIP1 gene, results from an A to G substitution at nucleotide position 2626. The serine at codon 876 is replaced by glycine, an amino acid with similar properties. This amino acid position is highly conserved in available vertebrate species. In addition, this alteration is predicted to be tolerated by in silico analysis. Since supporting evidence is limited at this time, the clinical significance of this alteration remains unclear.

NM_032043.3(BRIP1):c.2626A>G (p.Ser876Gly)

Gene: BRIP1 (BRCA1 interacting DNA helicase 1; minus strand). Cytogenetic location: 17q23.2.
Variant type: single nucleotide variant.
Coding change: c.2626A>G on transcript NM_032043.3 (MANE Select); coding-DNA position 2626, A replaced by G.
Protein change: p.Ser876Gly; replaces serine 876 with glycine.
Molecular consequence: missense variant.
Genome position (GRCh38, 1-based): chr17:61,686,115, T>C on the plus strand (A>G on the coding strand, the complement: BRIP1 is on the minus strand). VCF-style: chr17-61686115-T-C. GRCh37 (hg19) VCF-style: chr17-59763476-T-C.
Other names: short protein forms S876G.
Identifiers: ClinVar variation 530349 (VCV000530349.16), dbSNP rs1555573469, ClinGen allele CA400481914.